The following is an entry in ClinVar:

ClinVar aggregate classification (germline): Pathogenic (1 of 4 stars; one submission).

Submission:

GeneDx
Classification: Pathogenic. Last evaluated: 2017-06-30. Review status: criteria provided, single submitter. Criteria: GeneDx Variant Classification (06012015). Collection method: clinical testing. Allele origin: germline. Affected: yes.
Comment: The c.3258+1delG variant in the EHMT1 gene has not been reported previously as a pathogenic variant nor as a benign variant, to our knowledge. This splice site variant destroys the canonical splice donor site in intron 22, which is predicted to cause abnormal gene splicing The variant is not observed in large population cohorts (Lek et al., 2016; 1000 Genomes Consortium et al., 2015; Exome Variant Server). We interpret c.3258+1delG as a pathogenic variant.

NM_024757.5(EHMT1):c.3258+1del

Gene: EHMT1 (euchromatic histone lysine methyltransferase 1; plus strand). Cytogenetic location: 9q34.3.
Variant type: Deletion.
Coding change: c.3258+1del on transcript NM_024757.5 (MANE Select); the canonical splice donor site of the intron after coding-DNA position 3258, one base deleted (G; older notation c.3258+1delG).
Molecular consequence: splice donor variant.
Genome position (GRCh38, 1-based): chr9:137,814,509, G deleted; the last of 2 consecutive G bases (chr9:137,814,508-137,814,509); deleting either gives the same sequence. VCF-style (leftmost placement, unchanged base first): chr9-137814507-AG-A. GRCh37 (hg19) VCF-style: chr9-140708959-AG-A.
Other names: c.3237+1del (NM_001354263.2); c.3258+1delG (NM_024757.4).
Identifiers: ClinVar variation 450076 (VCV000450076.2), dbSNP rs1554897110, ClinGen allele CA658657950.